The following is an entry in ClinVar:

NM_003906.5(MCM3AP):c.5684C>T (p.Thr1895Met)

Genes: MCM3AP (minichromosome maintenance complex component 3 associated protein; minus strand), MCM3AP-AS1 (MCM3AP antisense RNA 1; plus strand). Cytogenetic location: 21q22.3.
Variant type: single nucleotide variant.
Coding change: c.5684C>T on transcript NM_003906.5 (MANE Select); coding-DNA position 5684, C replaced by T.
Protein change: p.Thr1895Met; replaces threonine 1895 with methionine.
Molecular consequence: missense variant.
Genome position (GRCh38, 1-based): chr21:46,236,929, G>A on the plus strand (C>T on the coding strand, the complement: MCM3AP is on the minus strand). VCF-style: chr21-46236929-G-A. GRCh37 (hg19) VCF-style: chr21-47656843-G-A.
Other names: short protein forms T1895M.
Identifiers: ClinVar variation 2191062 (VCV002191062.3), dbSNP rs1042579009, ClinGen allele CA321973558.
Genomic context (GRCh38, chr21:46,236,929, plus strand): 5'-ATAGTGTGAGAAAGAGACACTAGAGTCTGAGGAAGATAGAGGGGAAGGGAAGTTAAATCC[G>A]TAAATGCTCCTGAGTCTTCAGACAACCATTGCTGAAGCTGATCTTCAAACCTGAAACAAT-3'
Protein context (NP_003897.2, residues 1885-1905): QWLSEDSGAF[Thr1895Met]DLTSLPLYLP

ClinVar aggregate classification (germline): Uncertain significance (1 of 4 stars; one submission).

Allele frequency attached by ClinVar (database versions not stated): gnomAD exomes 0.00001; TOPMed 0.00001.
gnomAD v4.1: 16 of 1,577,112 alleles (0.001%); highest among the groups gnomAD compares: Middle Eastern, 0.017%; no homozygotes.

Submission:

Labcorp Genetics (formerly Invitae), Labcorp
Classification: Uncertain significance. Last evaluated: 2024-02-17. Review status: criteria provided, single submitter. Criteria: Invitae Variant Classification Sherloc (09022015). Collection method: clinical testing. Allele origin: germline.
Comment: This sequence change replaces threonine, which is neutral and polar, with methionine, which is neutral and non-polar, at codon 1895 of the MCM3AP protein (p.Thr1895Met). The frequency data for this variant in the population databases is considered unreliable, as metrics indicate poor data quality at this position in the gnomAD database. This variant has not been reported in the literature in individuals affected with MCM3AP-related conditions. ClinVar contains an entry for this variant (Variation ID: 2191062). An algorithm developed to predict the effect of missense changes on protein structure and function (PolyPhen-2) suggests that this variant is likely to be tolerated. In summary, the available evidence is currently insufficient to determine the role of this variant in disease. Therefore, it has been classified as a Variant of Uncertain Significance.